The following is an entry in ClinVar:

NM_001083962.2(TCF4):c.549+1_549+2dup

Gene: TCF4 (transcription factor 4; minus strand). Cytogenetic location: 18q21.2.
Variant type: Duplication.
Coding change: c.549+1_549+2dup on transcript NM_001083962.2 (MANE Select); the canonical splice donor site of the intron after coding-DNA position 549, 2 bases duplicated (GT; older notation c.549+1_549+2dupGT).
Molecular consequence: splice donor variant.
Genome position (GRCh38, 1-based): chr18:55,350,357-55,350,358, AC duplicated on the plus strand (GT on the coding strand, the reverse complement: TCF4 is on the minus strand). VCF-style (leftmost placement, unchanged base first): chr18-55350356-T-TAC. GRCh37 (hg19) VCF-style: chr18-53017587-T-TAC.
Other names: c.855+1_855+2dup (NM_001243226.3); c.474+1_474+2dup (NM_001369584.1, NM_001369576.1, NM_001369585.1 and 3 more transcripts); c.477+1_477+2dup (NM_001369577.1, NM_001369582.1, NM_001243227.2 and 9 more transcripts); c.549+1_549+2dup (NM_001369571.1, NM_001369567.1, NM_001243228.2 and 5 more transcripts); c.543+1_543+2dup (NM_001243230.2); c.546+1_546+2dup (NM_001369569.1, NM_001369573.1, NM_001369570.1); c.423+1_423+2dup (NM_001243231.2, NM_001348211.2); c.159+1_159+2dup (NM_001348212.2, NM_001348213.2, NM_001243233.2 and 1 more transcripts); and 1 more.
Identifiers: ClinVar variation 1044327 (VCV001044327.7), dbSNP rs2082082408, ClinGen allele CA2305058083.

ClinVar aggregate classification (germline): Uncertain significance (1 of 4 stars; one submission).

Conditions:
Pitt-Hopkins syndrome (PTHS). Also called: ENCEPHALOPATHY, SEVERE EPILEPTIC, WITH AUTONOMIC DYSFUNCTION; MENTAL RETARDATION, SYNDROMAL, WITH INTERMITTENT HYPERVENTILATION. Identifiers: Orphanet 2896, MedGen C1970431, MONDO:0012589, OMIM 610954.

Submission:

Labcorp Genetics (formerly Invitae), Labcorp
Classification: Uncertain significance for Pitt-Hopkins syndrome. Last evaluated: 2018-04-26. Review status: criteria provided, single submitter. Criteria: Invitae Variant Classification Sherloc (09022015). Collection method: clinical testing. Allele origin: germline.
Comment: In summary, the available evidence is currently insufficient to determine the role of this variant in disease. Therefore, it has been classified as a Variant of Uncertain Significance. Nucleotide substitutions within the consensus splice site are a relatively common cause of aberrant splicing (PMID: 17576681, 9536098). Algorithms developed to predict the effect of sequence changes on RNA splicing suggest that this variant may disrupt the consensus splice site, but this prediction has not been confirmed by published transcriptional studies. This variant has not been reported in the literature in individuals with TCF4-related disease. This variant is not present in population databases (ExAC no frequency). This sequence change falls in intron 8 of the TCF4 gene. It does not directly change the encoded amino acid sequence of the TCF4 protein, but it affects a nucleotide within the consensus splice site of the intron.

Literature cited by the submitters: PubMed 17576681; PubMed 9536098.